The following is an entry in ClinVar:

NM_152393.4(KLHL40):c.590C>A (p.Ala197Glu)

Gene: KLHL40 (kelch like family member 40; plus strand). Cytogenetic location: 3p22.1.
Variant type: single nucleotide variant.
Coding change: c.590C>A on transcript NM_152393.4 (MANE Select); coding-DNA position 590, C replaced by A.
Protein change: p.Ala197Glu; replaces alanine 197 with glutamic acid.
Molecular consequence: missense variant.
Genome position (GRCh38, 1-based): chr3:42,686,208, C>A. VCF-style: chr3-42686208-C-A. GRCh37 (hg19) VCF-style: chr3-42727700-C-A.
Other names: c.590C>A (NM_152393.2); short protein forms A197E.
Identifiers: ClinVar variation 1357756 (VCV001357756.5), dbSNP rs757677971, ClinGen allele CA2336693.

ClinVar aggregate classification (germline): Uncertain significance. Review status: criteria provided, multiple submitters, no conflicts (2 of 4 stars). 2 submissions from 2 submitters: Uncertain significance (2). Last evaluated 2026-07-29.

Conditions:
Inborn genetic diseases. Identifiers: MedGen C0950123, MeSH D030342.
Nemaline myopathy 8 (NEM8). Also called: Nemaline myopathy 8, autosomal recessive. Identifiers: Orphanet 171430, MedGen C3809209, MONDO:0014138, OMIM 615348.

Allele frequency attached by ClinVar (database versions not stated): ExAC 0.00002; gnomAD 0.00004 and 0.00003; TOPMed 0.00004.
gnomAD v4.1: 11 of 1,565,266 alleles (0.0007%); highest among the groups gnomAD compares: African/African-American, 0.012%; no homozygotes.

Submissions (2):

Ambry Genetics
Classification: Uncertain significance for Inborn genetic diseases. Last evaluated: 2026-07-29. Review status: criteria provided, single submitter. Criteria: Ambry Variant Classification Scheme 2023. Collection method: clinical testing. Allele origin: germline.

Labcorp Genetics (formerly Invitae), Labcorp
Classification: Uncertain significance for Nemaline myopathy 8. Last evaluated: 2021-10-08. Review status: criteria provided, single submitter. Criteria: Invitae Variant Classification Sherloc (09022015). Collection method: clinical testing. Allele origin: germline.
Comment: This sequence change replaces alanine with glutamic acid at codon 197 of the KLHL40 protein (p.Ala197Glu). The alanine residue is highly conserved and there is a moderate physicochemical difference between alanine and glutamic acid. This variant is present in population databases (rs757677971, ExAC 0.02%). This variant has not been reported in the literature in individuals affected with KLHL40-related conditions. Advanced modeling of protein sequence and biophysical properties (such as structural, functional, and spatial information, amino acid conservation, physicochemical variation, residue mobility, and thermodynamic stability) performed at Invitae indicates that this missense variant is expected to disrupt KLHL40 protein function. In summary, the available evidence is currently insufficient to determine the role of this variant in disease. Therefore, it has been classified as a Variant of Uncertain Significance.